The following is an entry in ClinVar:

NM_018006.5(TRMU):c.1125C>A (p.Asp375Glu)

Gene: TRMU (tRNA mitochondrial 2-thiouridylase; plus strand). Cytogenetic location: 22q13.31.
Variant type: single nucleotide variant.
Coding change: c.1125C>A on transcript NM_018006.5 (MANE Select); coding-DNA position 1125, C replaced by A.
Protein change: p.Asp375Glu; replaces aspartic acid 375 with glutamic acid.
Molecular consequence: missense variant. On other transcripts: synonymous variant (2), non-coding transcript variant (2).
Genome position (GRCh38, 1-based): chr22:46,356,865, C>A. VCF-style: chr22-46356865-C-A. GRCh37 (hg19) VCF-style: chr22-46752762-C-A.
Other names: p.D375E:GAC>GAA; c.783C>A, p.Asp261Glu (NM_001282782.2); c.705C>A, p.Asp235Glu (NM_001282783.2); c.622C>A, p.Arg208= (NM_001282784.2); c.1042C>A, p.Arg348= (NM_001282785.2); short protein forms D375E, D235E, D261E.
Identifiers: ClinVar variation 215282 (VCV000215282.1), dbSNP rs779022860, ClinGen allele CA321147.

ClinVar aggregate classification (germline): Likely benign (1 of 4 stars; one submission).

Allele frequency attached by ClinVar (database versions not stated): TOPMed below 0.00001.
gnomAD v4.1: 1 of 1,613,382 alleles (0.000062%); highest among the groups gnomAD compares: Non-Finnish European, 0.000085%; no homozygotes.

Submission:

GeneDx
Classification: Likely benign. Last evaluated: 2012-11-19. Review status: criteria provided, single submitter. Criteria: GeneDx Variant Classification (06012015). Collection method: clinical testing. Allele origin: germline. Affected: yes.
Comment: This variant is considered likely benign or benign based on one or more of the following criteria: it is a conservative change, it occurs at a poorly conserved position in the protein, it is predicted to be benign by multiple in silico algorithms, and/or has population frequency not consistent with disease.